The following is an entry in ClinVar:

ClinVar aggregate classification (germline): Uncertain significance (1 of 4 stars; one submission).

Allele frequency attached by ClinVar (database versions not stated): gnomAD exomes below 0.00001; TOPMed below 0.00001; ESP Exome Variant Server 0.00008.
gnomAD v4.1: 3 of 1,613,244 alleles (0.00019%); highest among the groups gnomAD compares: Non-Finnish European, 0.00025%; no homozygotes.

Submission:

Labcorp Genetics (formerly Invitae), Labcorp
Classification: Uncertain significance. Last evaluated: 2024-01-24. Review status: criteria provided, single submitter. Criteria: Invitae Variant Classification Sherloc (09022015). Collection method: clinical testing. Allele origin: germline.
Comment: This sequence change replaces arginine, which is basic and polar, with tryptophan, which is neutral and slightly polar, at codon 790 of the KANK4 protein (p.Arg790Trp). This variant is not present in population databases (gnomAD no frequency). This variant has not been reported in the literature in individuals affected with KANK4-related conditions. ClinVar contains an entry for this variant (Variation ID: 1964389). An algorithm developed to predict the effect of missense changes on protein structure and function (PolyPhen-2) suggests that this variant is likely to be tolerated. In summary, the available evidence is currently insufficient to determine the role of this variant in disease. Therefore, it has been classified as a Variant of Uncertain Significance.

NM_181712.5(KANK4):c.2368C>T (p.Arg790Trp)

Gene: KANK4 (KN motif and ankyrin repeat domains 4; minus strand). Cytogenetic location: 1p31.3.
Variant type: single nucleotide variant.
Coding change: c.2368C>T on transcript NM_181712.5 (MANE Select); coding-DNA position 2368, C replaced by T.
Protein change: p.Arg790Trp; replaces arginine 790 with tryptophan.
Molecular consequence: missense variant.
Genome position (GRCh38, 1-based): chr1:62,263,263, G>A on the plus strand (C>T on the coding strand, the complement: KANK4 is on the minus strand). VCF-style: chr1-62263263-G-A. GRCh37 (hg19) VCF-style: chr1-62728935-G-A.
Other names: c.484C>T, p.Arg162Trp (NM_001320269.2); short protein forms R162W, R790W.
Identifiers: ClinVar variation 1964389 (VCV001964389.5), dbSNP rs377030665, ClinGen allele CA23688195.